The following is an entry in ClinVar:

ClinVar aggregate classification (germline): Uncertain significance. Review status: criteria provided, multiple submitters, no conflicts (2 of 4 stars). 3 submissions from 3 submitters: Uncertain significance (2). 1 of the submissions does not count toward it. Last evaluated 2024-03-23.

Conditions:
Hypophosphatemic nephrolithiasis/osteoporosis 1. Identifiers: Orphanet 244305, MedGen C2676786, MONDO:0012850, OMIM 612286.
Fanconi renotubular syndrome 2 (FRTS2). Identifiers: MedGen C3150652, MONDO:0013247, OMIM 613388.
Hypercalcemia, infantile, 2 (HCINF2). Identifiers: Orphanet 300547, MedGen C4310473, MONDO:0014851, OMIM 616963.
Nephrocalcinosis. Also called: Hypercalcemic nephropathy. Identifiers: MedGen C0027709, MONDO:0001567, HP:0000121.

Allele frequency attached by ClinVar (database versions not stated): gnomAD 0.00001; TOPMed 0.00001; ExAC 0.00002; gnomAD exomes 0.00002 and 0.00004; ESP Exome Variant Server 0.00008.
gnomAD v4.1: 61 of 1,613,428 alleles (0.0038%); highest among the groups gnomAD compares: Non-Finnish European, 0.0048%; no homozygotes.

Submissions (3):

Fulgent Genetics
Classification: Uncertain significance for Hypophosphatemic nephrolithiasis/osteoporosis 1; Fanconi renotubular syndrome 2; Hypercalcemia, infantile, 2. Last evaluated: 2024-03-23. Review status: criteria provided, single submitter. Criteria: ACMG Guidelines, 2015. Collection method: clinical testing. Allele origin: germline.

Labcorp Genetics (formerly Invitae), Labcorp
Classification: Uncertain significance. Last evaluated: 2022-11-01. Review status: criteria provided, single submitter. Criteria: Invitae Variant Classification Sherloc (09022015). Collection method: clinical testing. Allele origin: germline.
Comment: This sequence change replaces leucine, which is neutral and non-polar, with proline, which is neutral and non-polar, at codon 179 of the SLC34A1 protein (p.Leu179Pro). This variant is present in population databases (rs142772770, gnomAD 0.006%). This missense change has been observed in individual(s) with nephrocalcinosis (PMID: 28893421). ClinVar contains an entry for this variant (Variation ID: 548680). Algorithms developed to predict the effect of missense changes on protein structure and function (SIFT, PolyPhen-2, Align-GVGD) all suggest that this variant is likely to be disruptive. In summary, the available evidence is currently insufficient to determine the role of this variant in disease. Therefore, it has been classified as a Variant of Uncertain Significance.

Yale Center for Mendelian Genomics, Yale University
Classification: Likely pathogenic for Nephrocalcinosis. Last evaluated: 2017-09-08. Review status: no assertion criteria provided. Collection method: literature only. Allele origin: germline. Affected: yes. Observed: 2 heterozygotes. Not counted in ClinVar's aggregate classification.

Literature cited by the submitters: PubMed 28893421 (cited by Labcorp Genetics (formerly Invitae), Labcorp and Yale Center for Mendelian Genomics, Yale University).

NM_003052.5(SLC34A1):c.536T>C (p.Leu179Pro)

Gene: SLC34A1 (solute carrier family 34 member 1; plus strand). Cytogenetic location: 5q35.3.
Variant type: single nucleotide variant.
Coding change: c.536T>C on transcript NM_003052.5 (MANE Select); coding-DNA position 536, T replaced by C.
Protein change: p.Leu179Pro; replaces leucine 179 with proline.
Molecular consequence: missense variant.
Genome position (GRCh38, 1-based): chr5:177,387,765, T>C. VCF-style: chr5-177387765-T-C. GRCh37 (hg19) VCF-style: chr5-176814766-T-C.
Other names: c.536T>C, p.Leu179Pro (NM_001167579.2); short protein forms L179P.
Identifiers: ClinVar variation 548680 (VCV000548680.9), dbSNP rs142772770, ClinGen allele CA3580430.
Genomic context (GRCh38, chr5:177,387,765, plus strand): 5'-GGTGGTGCAGGAGCTGGGTGACCGTCAAATTCATTAGGACGTCTTCTCTTCTACCAGTGC[T>C]GGAGGTGAGCTCTGCCATCCCCATCATCATGGGCTCCAACATCGGCACCTCTGTCACCAA-3'
Protein context (NP_003043.3, residues 169-189): IIVSMVSSGL[Leu179Pro]EVSSAIPIIM